The following is an entry in ClinVar:

ClinVar aggregate classification (germline): Conflicting classifications of pathogenicity. Review status: criteria provided, conflicting classifications (1 of 4 stars). 3 submissions from 3 submitters: Uncertain significance (2); Benign (1). Last evaluated 2025-12-23.

Conditions:
Ehlers-Danlos syndrome, classic type, 1 (EDSCL1). Also called: EDS I; EHLERS-DANLOS SYNDROME, GRAVIS TYPE; EHLERS-DANLOS SYNDROME, SEVERE CLASSIC TYPE; Ehlers-Danlos Syndrome, Classic Type, COL5A1-Related; Ehlers-Danlos syndrome, type 1. Identifiers: MedGen C0268335, MONDO:0019567, OMIM 130000.

Allele frequency attached by ClinVar (database versions not stated): gnomAD exomes 0.00001 and below 0.00001; TOPMed 0.00001; ESP Exome Variant Server 0.00008; gnomAD 0.00002.
gnomAD v4.1: 15 of 1,613,968 alleles (0.00093%); highest among the groups gnomAD compares: South Asian, 0.0033%; no homozygotes.

Submissions (3):

Women's Health and Genetics/Laboratory Corporation of America, LabCorp
Classification: Uncertain significance. Last evaluated: 2025-12-23. Review status: criteria provided, single submitter. Criteria: LabCorp Variant Classification Summary - May 2015. Collection method: clinical testing. Allele origin: germline.
Comment: Variant summary: COL5A1 c.1144G>A (p.Asp382Asn) results in a conservative amino acid change in the encoded protein sequence. Algorithms developed to predict the effect of missense changes on protein structure and function all suggest that this variant is likely to be tolerated. The variant allele was found at a frequency of 9.3e-06 in 1613968 control chromosomes (gnomAD v4). This frequency is not significantly higher than estimated for disease-causing variants in COL5A1, allowing no conclusion about variant significance. To our knowledge, no occurrence of c.1144G>A in individuals affected with COL5A1-related conditions and no experimental evidence demonstrating its impact on protein function have been reported. ClinVar contains an entry for this variant (Variation ID: 649219). Based on the evidence outlined above, the variant was classified as uncertain significance.

Labcorp Genetics (formerly Invitae), Labcorp
Classification: Benign for Ehlers-Danlos syndrome, classic type, 1. Last evaluated: 2025-09-15. Review status: criteria provided, single submitter. Criteria: Invitae Variant Classification Sherloc (09022015). Collection method: clinical testing. Allele origin: germline.

GeneDx
Classification: Uncertain significance. Last evaluated: 2020-11-04. Review status: criteria provided, single submitter. Criteria: GeneDx Variant Classification Process June 2021. Collection method: clinical testing. Allele origin: germline. Affected: yes.
Comment: Has not been previously published as pathogenic or benign to our knowledge; Reported in ClinVar as a variant of uncertain significance (ClinVar Variant ID# 649219; Landrum et al., 2016); Not observed at a significant frequency in large population cohorts (Lek et al., 2016); In silico analysis supports that this missense variant does not alter protein structure/function; Not located in the triple helical region, where the majority of pathogenic missense variants occur (Symoens et al., 2012; Stenson et al., 2014)

NM_000093.5(COL5A1):c.1144G>A (p.Asp382Asn)

Gene: COL5A1 (collagen type V alpha 1 chain; plus strand). Cytogenetic location: 9q34.3.
Variant type: single nucleotide variant.
Coding change: c.1144G>A on transcript NM_000093.5 (MANE Select); coding-DNA position 1144, G replaced by A.
Protein change: p.Asp382Asn; replaces aspartic acid 382 with asparagine.
Molecular consequence: missense variant.
Genome position (GRCh38, 1-based): chr9:134,730,455, G>A. VCF-style: chr9-134730455-G-A. GRCh37 (hg19) VCF-style: chr9-137622301-G-A.
Other names: c.1144G>A (NM_000093.3); c.1144G>A, p.Asp382Asn (NM_001278074.1); short protein forms D382N.
Identifiers: ClinVar variation 649219 (VCV000649219.14), dbSNP rs148288567, ClinGen allele CA201108276.